The following is an entry in ClinVar:

ClinVar aggregate classification (germline): Uncertain significance (1 of 4 stars; one submission).

Submission:

Labcorp Genetics (formerly Invitae), Labcorp
Classification: Uncertain significance. Last evaluated: 2022-09-22. Review status: criteria provided, single submitter. Criteria: Invitae Variant Classification Sherloc (09022015). Collection method: clinical testing. Allele origin: germline.
Comment: In summary, the available evidence is currently insufficient to determine the role of this variant in disease. Therefore, it has been classified as a Variant of Uncertain Significance. Algorithms developed to predict the effect of missense changes on protein structure and function are either unavailable or do not agree on the potential impact of this missense change (SIFT: "Deleterious"; PolyPhen-2: "Benign"; Align-GVGD: "Class C0"). This variant has not been reported in the literature in individuals affected with ALPK3-related conditions. This variant is present in population databases (no rsID available, gnomAD 0.005%). This sequence change replaces cysteine, which is neutral and slightly polar, with glycine, which is neutral and non-polar, at codon 109 of the ALPK3 protein (p.Cys109Gly).

NC_000015.10:g.84817171T>G

Gene: ALPK3 (alpha kinase 3; plus strand). Cytogenetic location: 15q25.3.
Variant type: single nucleotide variant.
Genome position: GRCh38 VCF-style: chr15-84817171-T-G. GRCh37 (hg19) VCF-style: chr15-85360402-T-G.
Identifiers: ClinVar variation 2130542 (VCV002130542.4), dbSNP rs772705985, ClinGen allele CA393368675.
Genomic context (GRCh38, chr15:84,817,171, plus strand): 5'-CAGGACACCCGCTGCGCCTTCCTCCCGAGGCCTCCCGGGCCTCTCCAGACGCGGCGCTAC[T>G]GCAGACACCAGGGCCGCCAAGGGAGCGGACTCGGAGCCGGCCCTGGGGCGGGCACATGGG-3'